The following is an entry in ClinVar:

GRCh38/hg38 7q22.1(chr7:98454022-100723798)x1

Genes: ACTL6B (actin like 6B; minus strand), AGFG2 (ArfGAP with FG repeats 2; plus strand), AP4M1 (adaptor related protein complex 4 subunit mu 1; plus strand), ARPC1A (actin related protein 2/3 complex subunit 1A; plus strand), ARPC1B (actin related protein 2/3 complex subunit 1B; plus strand) and 228 more. Cytogenetic location: 7q22.1.
Variant type: copy number loss.
Change: copy number 1 (one copy instead of two) of chr7:98,454,022-100,723,798 (2.27 Mb, GRCh38 coordinates, 1-based), cytogenetic band 7q22.1.
Identifiers: ClinVar variation 2579262 (VCV002579262.1).

ClinVar aggregate classification (germline): Pathogenic (1 of 4 stars; one submission).

Conditions:
Multiple congenital anomalies/dysmorphic syndrome. Identifiers: Orphanet 68341, MedGen C5681310, MONDO:0019042.

Submission:

Broad Center for Mendelian Genomics, Broad Institute of MIT and Harvard
Classification: Pathogenic for Multiple congenital anomalies/dysmorphic syndrome. Last evaluated: 2023-08-24. Review status: criteria provided, single submitter. Criteria: ACMG/ClinGen CNV Guidelines, 2019. Collection method: research. Allele origin: de novo. Inheritance: Autosomal dominant inheritance. Affected: yes.
Comment: These breakpoints have been estimated by exome sequencing and therefore may not reflect the true breakpoints. The patient phenotype is nonspecific, but is consistent with cases described in the literature and/or published databases with overlapping variants. There is complete overlap with the TRRAP gene which has been assessed by the ClinGen Dosage Sensitivity Working Group but has not yet met the burden of evidence for haploinsufficiency (HI). Though dosage sensitivity has not been established, more than two HI predictors suggest that the TRRAP gene is haploinsufficient. In summary, the 7q22.1 deletion meets criteria to be classified as pathogenic. The ACMG/ClinGen evidence codes and points used in this curation are as follows: 1: 0 points, 2: 0.15 points, 3: 0.90 points, 4-5: 0 points; Total: 1.05 points; Riggs 2020 (PMID: 31690835).